The following is an entry in ClinVar:

NM_000545.8(HNF1A):c.431T>G (p.Leu144Arg)

Gene: HNF1A (HNF1 homeobox A; plus strand). Cytogenetic location: 12q24.31.
Variant type: single nucleotide variant.
Coding change: c.431T>G on transcript NM_000545.8 (MANE Select); coding-DNA position 431, T replaced by G.
Protein change: p.Leu144Arg; replaces leucine 144 with arginine.
Molecular consequence: missense variant.
Genome position (GRCh38, 1-based): chr12:120,988,937, T>G. VCF-style: chr12-120988937-T-G. GRCh37 (hg19) VCF-style: chr12-121426740-T-G.
Other names: c.431T>G, p.Leu144Arg (NM_001306179.2); short protein forms L144R.
Identifiers: ClinVar variation 1338510 (VCV001338510.4), dbSNP rs2135832696, ClinGen allele CA386959969.
Genomic context (GRCh38, chr12:120,988,937, plus strand): 5'-AGCAGCACAACATCCCACAGCGGGAGGTGGTCGATACCACTGGCCTCAACCAGTCCCACC[T>G]GTCCCAACACCTCAACAAGGGCACTCCCATGAAGACGCAGAAGCGGGCCGCCCTGTACAC-3'
Protein context (NP_000536.6, residues 134-154): VDTTGLNQSH[Leu144Arg]SQHLNKGTPM

ClinVar aggregate classification (germline): Likely pathogenic (1 of 4 stars; one submission).

Submission:

Genetic Services Laboratory, University of Chicago
Classification: Likely pathogenic. Last evaluated: 2019-04-24. Review status: criteria provided, single submitter. Criteria: ACMG Guidelines, 2015. Collection method: clinical testing. Allele origin: germline. Affected: yes.
Comment: DNA sequence analysis of the HNF1A gene demonstrated a sequence change, c.431T>G, in exon 2 that results in an amino acid change, p.Leu144Arg. This sequence change is absent from large population databases, ExAC and gnomAD. The p.Leu144Arg change affects a highly conserved amino acid residue located in a domain of the HNF1A protein that is known to be functional. The p.Leu144Arg substitution appears to be deleterious using several in-silico pathogenicity prediction tools (SIFT, PolyPhen2, Align GVGD, REVEL). This particular amino acid change does not appear to have been described in the literature in other patients with HNF1A-related diabetes, however, a different sequence change affecting the same amino acid residue (p.Leu144Pro) has been described in a patient with adult-onset diabetes (PMID: 23348805).